The following is an entry in ClinVar:

ClinVar aggregate classification (germline): Pathogenic (1 of 4 stars; one submission).

Conditions:
Alstrom syndrome (ALMS). Identifiers: Orphanet 64, MedGen C0268425, MONDO:0008763, OMIM 203800.

Submission:

Labcorp Genetics (formerly Invitae), Labcorp
Classification: Pathogenic for Alstrom syndrome. Last evaluated: 2021-08-04. Review status: criteria provided, single submitter. Criteria: Invitae Variant Classification Sherloc (09022015). Collection method: clinical testing. Allele origin: germline.
Comment: For these reasons, this variant has been classified as Pathogenic. This variant has not been reported in the literature in individuals affected with ALMS1-related conditions. This variant is not present in population databases (ExAC no frequency). This sequence change creates a premature translational stop signal (p.Ser2879Phefs*6) in the ALMS1 gene. It is expected to result in an absent or disrupted protein product. Loss-of-function variants in ALMS1 are known to be pathogenic (PMID: 17594715).

Literature cited by the submitters: PubMed 17594715.

NM_001378454.1(ALMS1):c.8630_8631insG (p.Ser2878fs)

Gene: ALMS1 (ALMS1 centrosome and basal body associated protein; plus strand). Cytogenetic location: 2p13.1.
Variant type: Insertion.
Coding change: c.8630_8631insG on transcript NM_001378454.1 (MANE Select); coding-DNA positions 8630 to 8631, G inserted.
Protein change: p.Ser2878fs; shifts the reading frame from serine 2878.
Molecular consequence: frameshift variant.
Genome position: GRCh38 VCF-style: chr2-73490589-C-CG. GRCh37 (hg19) VCF-style: chr2-73717716-C-CG.
Other names: c.8633_8634insG, p.Ser2879fs (NM_015120.4); short protein forms S2878fs, S2879fs.
Identifiers: ClinVar variation 1431188 (VCV001431188.6), dbSNP rs2103892558, ClinGen allele CA2573135770.